The following is an entry in ClinVar:

ClinVar aggregate classification (germline): Uncertain significance (1 of 4 stars; one submission).

Conditions:
Inborn genetic diseases. Identifiers: MedGen C0950123, MeSH D030342.

Submission:

Ambry Genetics
Classification: Uncertain significance for Inborn genetic diseases. Last evaluated: 2023-03-25. Review status: criteria provided, single submitter. Criteria: Ambry Variant Classification Scheme 2023. Collection method: clinical testing. Allele origin: germline.
Comment: The p.V95A variant (also known as c.284T>C), located in coding exon 3 of the MDH2 gene, results from a T to C substitution at nucleotide position 284. The valine at codon 95 is replaced by alanine, an amino acid with similar properties. This amino acid position is conserved. In addition, this alteration is predicted to be deleterious by in silico analysis. Since supporting evidence is limited at this time, the clinical significance of this alteration remains unclear.

NM_005918.4(MDH2):c.284T>C (p.Val95Ala)

Gene: MDH2 (malate dehydrogenase 2; plus strand). Cytogenetic location: 7q11.23.
Variant type: single nucleotide variant.
Coding change: c.284T>C on transcript NM_005918.4 (MANE Select); coding-DNA position 284, T replaced by C.
Protein change: p.Val95Ala; replaces valine 95 with alanine.
Molecular consequence: missense variant. On other transcripts: 5 prime UTR variant (1).
Genome position (GRCh38, 1-based): chr7:76,057,458, T>C. VCF-style: chr7-76057458-T-C. GRCh37 (hg19) VCF-style: chr7-75686776-T-C.
Other names: c.284T>C, p.Val95Ala (NM_001282403.2); c.-38T>C (NM_001282404.2); short protein forms V95A.
Identifiers: ClinVar variation 2561517 (VCV002561517.2), dbSNP rs2535857910, ClinGen allele CA367763493.